The following is an entry in ClinVar:

ClinVar aggregate classification (germline): Pathogenic/Likely pathogenic. Review status: criteria provided, multiple submitters, no conflicts (2 of 4 stars). 3 submissions from 3 submitters: Pathogenic (1); Likely pathogenic (2). Last evaluated 2025-02-27.

Conditions:
Cholestanol storage disease (CTX). Also called: CEREBRAL CHOLESTERINOSIS; Cerebrotendinous Xanthomatosis; CTX: Cerebrotendinous xanthomatosis. Identifiers: Orphanet 909, MedGen C0238052, MONDO:0008948, OMIM 213700.

Submissions (3):

Labcorp Genetics (formerly Invitae), Labcorp
Classification: Pathogenic for Cholestanol storage disease. Last evaluated: 2025-02-27. Review status: criteria provided, single submitter. Criteria: Invitae Variant Classification Sherloc (09022015). Collection method: clinical testing. Allele origin: germline.
Comment: This sequence change creates a premature translational stop signal (p.Asp414*) in the CYP27A1 gene. It is expected to result in an absent or disrupted protein product. Loss-of-function variants in CYP27A1 are known to be pathogenic (PMID: 9392430, 10775536, 26937392). This variant is not present in population databases (gnomAD no frequency). This variant has not been reported in the literature in individuals affected with CYP27A1-related conditions. ClinVar contains an entry for this variant (Variation ID: 1372101). Algorithms developed to predict the effect of sequence changes on RNA splicing suggest that this variant may disrupt the consensus splice site. For these reasons, this variant has been classified as Pathogenic.

Natera, Inc.
Classification: Likely pathogenic for Cerebrotendinous xanthomatosis. Last evaluated: 2024-07-09. Review status: criteria provided, single submitter. Criteria: Natera Variant Classification Schema (03/2026). Collection method: clinical testing. Allele origin: germline.
Comment: The c.1239dup variant in CYP27A1 is a frameshift variant predicted to shift the reading frame and introduce a stop codon. This variant is expected to result in nonsense mediated decay, truncation, or a dysfunctional protein product. This variant is rare in the general population with a frequency below the threshold expected for the associated phenotype(s). Given the available evidence, this variant is classified as Likely Pathogenic.

Baylor Genetics
Classification: Likely pathogenic for Cholestanol storage disease. Last evaluated: 2023-11-11. Review status: criteria provided, single submitter. Criteria: ACMG Guidelines, 2015. Collection method: clinical testing. Allele origin: unknown.

Literature cited by the submitters: PubMed 9392430 (cited by Labcorp Genetics (formerly Invitae), Labcorp); PubMed 10775536 (cited by Labcorp Genetics (formerly Invitae), Labcorp); PubMed 26937392 (cited by Labcorp Genetics (formerly Invitae), Labcorp).

NM_000784.4(CYP27A1):c.1239dup (p.Asp414Ter)

Gene: CYP27A1 (cytochrome P450 family 27 subfamily A member 1; plus strand). Cytogenetic location: 2q35.
Variant type: Duplication.
Coding change: c.1239dup on transcript NM_000784.4 (MANE Select); coding-DNA position 1239, one base duplicated (T; older notation c.1239dupT).
Protein change: p.Asp414Ter; replaces aspartic acid 414 with a stop codon.
Molecular consequence: nonsense.
Genome position (GRCh38, 1-based): chr2:218,814,434, T duplicated; the last of 2 consecutive T bases (chr2:218,814,433-218,814,434); duplicating either gives the same sequence. VCF-style (leftmost placement, unchanged base first): chr2-218814432-G-GT. GRCh37 (hg19) VCF-style: chr2-219679155-G-GT.
Other names: c.1239dup (NM_000784.3); short protein forms D414*.
Identifiers: ClinVar variation 1372101 (VCV001372101.8), dbSNP rs2105981099, ClinGen allele CA2573135322.